The following is an entry in ClinVar:

ClinVar aggregate classification (germline): Uncertain significance (1 of 4 stars; one submission).

Submission:

Labcorp Genetics (formerly Invitae), Labcorp
Classification: Uncertain significance. Last evaluated: 2023-12-14. Review status: criteria provided, single submitter. Criteria: Invitae Variant Classification Sherloc (09022015). Collection method: clinical testing. Allele origin: germline.
Comment: This sequence change replaces phenylalanine, which is neutral and non-polar, with valine, which is neutral and non-polar, at codon 217 of the PPP2R5D protein (p.Phe217Val). This variant is not present in population databases (gnomAD no frequency). This variant has not been reported in the literature in individuals affected with PPP2R5D-related conditions. An algorithm developed to predict the effect of missense changes on protein structure and function (PolyPhen-2) suggests that this variant is likely to be disruptive. In summary, the available evidence is currently insufficient to determine the role of this variant in disease. Therefore, it has been classified as a Variant of Uncertain Significance.

NM_006245.4(PPP2R5D):c.649T>G (p.Phe217Val)

Gene: PPP2R5D (protein phosphatase 2 regulatory subunit B'delta; plus strand). Cytogenetic location: 6p21.1.
Variant type: single nucleotide variant.
Coding change: c.649T>G on transcript NM_006245.4 (MANE Select); coding-DNA position 649, T replaced by G.
Protein change: p.Phe217Val; replaces phenylalanine 217 with valine.
Molecular consequence: missense variant.
Genome position (GRCh38, 1-based): chr6:43,007,429, T>G. VCF-style: chr6-43007429-T-G. GRCh37 (hg19) VCF-style: chr6-42975167-T-G.
Other names: c.196T>G, p.Phe66Val (NM_001270476.2); c.553T>G, p.Phe185Val (NM_180976.3); c.331T>G, p.Phe111Val (NM_180977.3); short protein forms F185V, F111V, F66V, F217V.
Identifiers: ClinVar variation 2703052 (VCV002703052.3), dbSNP rs2532476482, ClinGen allele CA364186117.